The following is an entry in ClinVar:

NM_020911.2(PLXNA4):c.5211C>A (p.Thr1737=)

Gene: PLXNA4 (plexin A4; minus strand). Cytogenetic location: 7q32.3.
Variant type: single nucleotide variant.
Coding change: c.5211C>A on transcript NM_020911.2 (MANE Select); coding-DNA position 5211, C replaced by A.
Protein change: p.Thr1737=; no amino-acid change (threonine 1737 retained).
Molecular consequence: synonymous variant.
Genome position (GRCh38, 1-based): chr7:132,145,133, G>T on the plus strand (C>A on the coding strand, the complement: PLXNA4 is on the minus strand). VCF-style: chr7-132145133-G-T. GRCh37 (hg19) VCF-style: chr7-131829892-G-T.
Other names: c.5211C>A, p.Thr1737= (NM_001393897.1).
Identifiers: ClinVar variation 4977754 (VCV004977754.1).

ClinVar aggregate classification (germline): Likely benign (1 of 4 stars; one submission).

Conditions:
PLXNA4-related disorder. Also called: PLXNA4-related condition.

gnomAD v4.1: 35 of 1,614,144 alleles (0.0022%); highest among the groups gnomAD compares: Admixed American, 0.005%; no homozygotes.

Submission:

PreventionGenetics, part of Exact Sciences
Classification: Likely benign for PLXNA4-related condition. Last evaluated: 2025-10-20. Review status: criteria provided, single submitter. Criteria: ACMG Guidelines, 2015. Collection method: clinical testing. Allele origin: germline.
Comment: This variant is classified as likely benign based on ACMG/AMP sequence variant interpretation guidelines (Richards et al. 2015 PMID: 25741868, with internal and published modifications).